The following is an entry in ClinVar:

NM_022124.6(CDH23):c.9883A>C (p.Thr3295Pro)

Gene: CDH23 (cadherin related 23; plus strand). Cytogenetic location: 10q22.1.
Variant type: single nucleotide variant.
Coding change: c.9883A>C on transcript NM_022124.6 (MANE Select); coding-DNA position 9883, A replaced by C.
Protein change: p.Thr3295Pro; replaces threonine 3295 with proline.
Molecular consequence: missense variant.
Genome position (GRCh38, 1-based): chr10:71,815,096, A>C. VCF-style: chr10-71815096-A-C. GRCh37 (hg19) VCF-style: chr10-73574853-A-C.
Other names: c.3163A>C, p.Thr1055Pro (NM_001171933.1); c.3058A>C, p.Thr1020Pro (NM_001171934.1); c.574A>C, p.Thr192Pro (NM_001171935.1); c.469A>C, p.Thr157Pro (NM_001171936.1); short protein forms T3295P, T192P, T157P, T1020P, T1055P.
Identifiers: ClinVar variation 228511 (VCV000228511.14), dbSNP rs781716568, ClinGen allele CA5547200.
Genomic context (GRCh38, chr10:71,815,096, plus strand): 5'-GAGCTCAAGGGGCCCGATGGGATCCATGTGGTGCACGGCAGCACGGGCACGCTGCTGGCC[A>C]CCGACCTCAACAGCCTGCCCGAGGAAGACCAGAAGGGCCTGGGCCGCTCGCTGGAGACGC-3'
Protein context (NP_071407.4, residues 3285-3305): VHGSTGTLLA[Thr3295Pro]DLNSLPEEDQ

ClinVar aggregate classification (germline): Uncertain significance. Review status: criteria provided, multiple submitters, no conflicts (2 of 4 stars). 6 submissions from 6 submitters: Uncertain significance (5). 1 of the submissions does not count toward it. Last evaluated 2025-08-07.

Conditions:
Usher syndrome type 1 (USH1). Also called: RETINITIS PIGMENTOSA AND CONGENITAL DEAFNESS. Identifiers: Orphanet 231169, Orphanet 886, MedGen C1568247, MONDO:0010168, OMIM 276900.
Inborn genetic diseases. Identifiers: MedGen C0950123, MeSH D030342.

Allele frequency attached by ClinVar (database versions not stated): gnomAD exomes 0.00001; gnomAD 0.00006 and 0.00007; TOPMed 0.00007; 1000 Genomes Project 30x 0.00031.
gnomAD v4.1: 25 of 1,611,174 alleles (0.0016%); highest among the groups gnomAD compares: Admixed American, 0.032%; no homozygotes.

Submissions (6):

Ambry Genetics
Classification: Uncertain significance for Inborn genetic diseases. Last evaluated: 2025-08-07. Review status: criteria provided, single submitter. Criteria: Ambry Variant Classification Scheme 2023. Collection method: clinical testing. Allele origin: germline.

GeneDx
Classification: Uncertain significance. Last evaluated: 2023-05-08. Review status: criteria provided, single submitter. Criteria: GeneDx Variant Classification Process June 2021. Collection method: clinical testing. Allele origin: germline.
Comment: In silico analysis supports that this missense variant does not alter protein structure/function; Has not been previously published as pathogenic or benign to our knowledge

Labcorp Genetics (formerly Invitae), Labcorp
Classification: Uncertain significance. Last evaluated: 2022-10-13. Review status: criteria provided, single submitter. Criteria: Invitae Variant Classification Sherloc (09022015). Collection method: clinical testing. Allele origin: germline.
Comment: This sequence change replaces threonine, which is neutral and polar, with proline, which is neutral and non-polar, at codon 3295 of the CDH23 protein (p.Thr3295Pro). This variant is present in population databases (rs781716568, gnomAD 0.03%). This variant has not been reported in the literature in individuals affected with CDH23-related conditions. ClinVar contains an entry for this variant (Variation ID: 228511). Advanced modeling of protein sequence and biophysical properties (such as structural, functional, and spatial information, amino acid conservation, physicochemical variation, residue mobility, and thermodynamic stability) performed at Invitae indicates that this missense variant is not expected to disrupt CDH23 protein function. In summary, the available evidence is currently insufficient to determine the role of this variant in disease. Therefore, it has been classified as a Variant of Uncertain Significance.

Blueprint Genetics
Classification: Uncertain significance. Last evaluated: 2017-08-28. Review status: criteria provided, single submitter. Criteria: ACMG Guidelines, 2015. Collection method: clinical testing. Allele origin: germline.

Laboratory for Molecular Medicine, Mass General Brigham Personalized Medicine
Classification: Uncertain significance. Last evaluated: 2015-01-30. Review status: criteria provided, single submitter. Criteria: LMM Criteria. Collection method: clinical testing. Allele origin: germline. Observed: 1 variant allele.
Comment: The p.Thr3295Pro variant in CDH23 has not been previously reported in individual s with hearing loss, but has been identified in 3/10434 of Latino chromosomes an d 1/58040 European chromosomes by the Exome Aggregation Consortium (ExAC; dbSNP rs368112637). Computational prediction tools and conservation analyses do not provide strong support for or against an impact to the protein. In summary, the clinical significance of the p.Thr3295Pro variant is uncertain.

Natera, Inc.
Classification: Uncertain significance for Usher syndrome type 1. Last evaluated: 2019-10-28. Review status: no assertion criteria provided. Collection method: clinical testing. Allele origin: germline. Not counted in ClinVar's aggregate classification.